The following is an entry in ClinVar:

NM_000747.3(CHRNB1):c.831G>A (p.Met277Ile)

Gene: CHRNB1 (cholinergic receptor nicotinic beta 1 subunit; plus strand). Cytogenetic location: 17p13.1.
Variant type: single nucleotide variant.
Coding change: c.831G>A on transcript NM_000747.3 (MANE Select); coding-DNA position 831, G replaced by A.
Protein change: p.Met277Ile; replaces methionine 277 with isoleucine.
Molecular consequence: missense variant.
Genome position (GRCh38, 1-based): chr17:7,454,307, G>A. VCF-style: chr17-7454307-G-A. GRCh37 (hg19) VCF-style: chr17-7357626-G-A.
Other names: short protein forms M277I.
Identifiers: ClinVar variation 3665289 (VCV003665289.2).

ClinVar aggregate classification (germline): Uncertain significance (1 of 4 stars; one submission).

Conditions:
Congenital myasthenic syndrome 2A. Also called: Myasthenic syndrome, congenital, 2a, slow-channel. Identifiers: Orphanet 590, MedGen C4225374, MONDO:0014581, OMIM 616313.

Submission:

Labcorp Genetics (formerly Invitae), Labcorp
Classification: Uncertain significance for Congenital myasthenic syndrome 2A. Last evaluated: 2024-09-18. Review status: criteria provided, single submitter. Criteria: Invitae Variant Classification Sherloc (09022015). Collection method: clinical testing. Allele origin: germline.
Comment: This sequence change replaces methionine, which is neutral and non-polar, with isoleucine, which is neutral and non-polar, at codon 277 of the CHRNB1 protein (p.Met277Ile). This variant is not present in population databases (gnomAD no frequency). This variant has not been reported in the literature in individuals affected with CHRNB1-related conditions. Invitae Evidence Modeling of protein sequence and biophysical properties (such as structural, functional, and spatial information, amino acid conservation, physicochemical variation, residue mobility, and thermodynamic stability) indicates that this missense variant is not expected to disrupt CHRNB1 protein function with a negative predictive value of 80%. In summary, the available evidence is currently insufficient to determine the role of this variant in disease. Therefore, it has been classified as a Variant of Uncertain Significance.